The following is an entry in ClinVar:

ClinVar aggregate classification (germline): Uncertain significance (1 of 4 stars; one submission).

Conditions:
Schimke immuno-osseous dysplasia (SIOD). Also called: Schimke Immunoosseous Dysplasia. Identifiers: Orphanet 1830, MedGen C0877024, MONDO:0009458, OMIM 242900.

Submission:

Labcorp Genetics (formerly Invitae), Labcorp
Classification: Uncertain significance for Schimke immuno-osseous dysplasia. Last evaluated: 2020-06-26. Review status: criteria provided, single submitter. Criteria: Invitae Variant Classification Sherloc (09022015). Collection method: clinical testing. Allele origin: germline.
Comment: In summary, the available evidence is currently insufficient to determine the role of this variant in disease. Therefore, it has been classified as a Variant of Uncertain Significance. Algorithms developed to predict the effect of missense changes on protein structure and function are either unavailable or do not agree on the potential impact of this missense change (SIFT: "Deleterious"; PolyPhen-2: "Probably Damaging"; Align-GVGD: "Class C0"). This variant has not been reported in the literature in individuals with SMARCAL1-related conditions. This variant is not present in population databases (ExAC no frequency). This sequence change replaces glutamic acid with glycine at codon 478 of the SMARCAL1 protein (p.Glu478Gly). The glutamic acid residue is moderately conserved and there is a moderate physicochemical difference between glutamic acid and glycine.

NM_014140.4(SMARCAL1):c.1433A>G (p.Glu478Gly)

Gene: SMARCAL1 (SNF2 related chromatin remodeling annealing helicase 1; plus strand). Cytogenetic location: 2q35.
Variant type: single nucleotide variant.
Coding change: c.1433A>G on transcript NM_014140.4 (MANE Select); coding-DNA position 1433, A replaced by G.
Protein change: p.Glu478Gly; replaces glutamic acid 478 with glycine.
Molecular consequence: missense variant.
Genome position (GRCh38, 1-based): chr2:216,432,816, A>G. VCF-style: chr2-216432816-A-G. GRCh37 (hg19) VCF-style: chr2-217297539-A-G.
Other names: c.1433A>G, p.Glu478Gly (NM_001127207.2); short protein forms E478G.
Identifiers: ClinVar variation 1052809 (VCV001052809.9), dbSNP rs2106033669, ClinGen allele CA350500173.